The following is an entry in ClinVar:

NM_000399.5(EGR2):c.500C>T (p.Pro167Leu)

Gene: EGR2 (early growth response 2; minus strand). Cytogenetic location: 10q21.3.
Variant type: single nucleotide variant.
Coding change: c.500C>T on transcript NM_000399.5 (MANE Select); coding-DNA position 500, C replaced by T.
Protein change: p.Pro167Leu; replaces proline 167 with leucine.
Molecular consequence: missense variant.
Genome position (GRCh38, 1-based): chr10:62,814,138, G>A on the plus strand (C>T on the coding strand, the complement: EGR2 is on the minus strand). VCF-style: chr10-62814138-G-A. GRCh37 (hg19) VCF-style: chr10-64573898-G-A.
Other names: c.500C>T, p.Pro167Leu (NM_001136177.3, NM_001136178.2); c.350C>T, p.Pro117Leu (NM_001136179.3, NM_001321037.2); short protein forms P167L, P117L.
Identifiers: ClinVar variation 863169 (VCV000863169.8), dbSNP rs1842200895, ClinGen allele CA377030268.
Genomic context (GRCh38, chr10:62,814,138, plus strand): 5'-GCAGAAGGGTCCTGGTAGAGGTCTCCTGCACAGCCAGAATAAGGAGGAGGAGGCGGTGGC[G>A]GAGAGTACAGGTGGTCCAGGTCAGGCTGGGTCTGGGACATGGTGCACACACCCAGGGGTC-3'
Protein context (NP_000390.2, residues 157-177): TQPDLDHLYS[Pro167Leu]PPPPPPYSGC

ClinVar aggregate classification (germline): Uncertain significance. Review status: criteria provided, multiple submitters, no conflicts (2 of 4 stars). 2 submissions from 2 submitters: Uncertain significance (2). Last evaluated 2024-06-06.

Conditions:
Charcot-Marie-Tooth disease, type I (CMT1). Also called: Charcot-Marie-Tooth disease type 1; Charcot-Marie-Tooth, Type 1. Identifiers: Orphanet 65753, MedGen C0751036, MONDO:0019011.

Allele frequency attached by ClinVar (database versions not stated): gnomAD exomes below 0.00001.
gnomAD v4.1: 4 of 1,613,940 alleles (0.00025%); highest among the groups gnomAD compares: African/African-American, 0.0013%; no homozygotes.

Submissions (2):

GeneDx
Classification: Uncertain significance. Last evaluated: 2024-06-06. Review status: criteria provided, single submitter. Criteria: GeneDx Variant Classification Process June 2021. Collection method: clinical testing. Allele origin: germline. Affected: yes.
Comment: In silico analysis indicates that this missense variant does not alter protein structure/function; Not observed at significant frequency in large population cohorts (gnomAD); This variant is associated with the following publications: (PMID: 32376792)

Labcorp Genetics (formerly Invitae), Labcorp
Classification: Uncertain significance for Charcot-Marie-Tooth disease, type I. Last evaluated: 2022-09-01. Review status: criteria provided, single submitter. Criteria: Invitae Variant Classification Sherloc (09022015). Collection method: clinical testing. Allele origin: germline.
Comment: In summary, the available evidence is currently insufficient to determine the role of this variant in disease. Therefore, it has been classified as a Variant of Uncertain Significance. Algorithms developed to predict the effect of missense changes on protein structure and function are either unavailable or do not agree on the potential impact of this missense change (SIFT: "Not Available"; PolyPhen-2: "Probably Damaging"; Align-GVGD: "Not Available"). ClinVar contains an entry for this variant (Variation ID: 863169). This missense change has been observed in individual(s) with clinical features of EGR2-related conditions (PMID: 32376792). This variant is not present in population databases (gnomAD no frequency). This sequence change replaces proline, which is neutral and non-polar, with leucine, which is neutral and non-polar, at codon 167 of the EGR2 protein (p.Pro167Leu).

Literature cited by the submitters: PubMed 32376792 (cited by Labcorp Genetics (formerly Invitae), Labcorp).